The following is an entry in ClinVar:

ClinVar aggregate classification (germline): Pathogenic/Likely pathogenic. Review status: criteria provided, multiple submitters, no conflicts (2 of 4 stars). 4 submissions from 4 submitters: Pathogenic (2); Likely pathogenic (2). Last evaluated 2024-05-24.

Conditions:
Inborn genetic diseases. Identifiers: MedGen C0950123, MeSH D030342.
Pyridoxine-dependent epilepsy (EPEO4). Also called: Pyridoxine-Dependent Seizures; Pyridoxine-Dependent Epilepsy - ALDH7A1; PYRIDOXINE DEPENDENCY WITH SEIZURES; EPILEPSY, EARLY-ONSET, 4, VITAMIN B6-DEPENDENT. Identifiers: Orphanet 3006, MedGen C1849508, MONDO:0009945, OMIM 266100. Disease mechanism: loss of function.

Allele frequency attached by ClinVar (database versions not stated): TOPMed 0.00001; gnomAD exomes below 0.00001; ExAC 0.00001.

Submissions (4):

Labcorp Genetics (formerly Invitae), Labcorp
Classification: Pathogenic for Pyridoxine-dependent epilepsy. Last evaluated: 2024-05-24. Review status: criteria provided, single submitter. Criteria: Invitae Variant Classification Sherloc (09022015). Collection method: clinical testing. Allele origin: germline.
Comment: This sequence change creates a premature translational stop signal (p.Arg96Glufs*51) in the ALDH7A1 gene. It is expected to result in an absent or disrupted protein product. Loss-of-function variants in ALDH7A1 are known to be pathogenic (PMID: 16491085, 20554659). This variant is present in population databases (rs758414053, gnomAD 0.0009%). This variant has not been reported in the literature in individuals affected with ALDH7A1-related conditions. ClinVar contains an entry for this variant (Variation ID: 204868). For these reasons, this variant has been classified as Pathogenic.

Genome-Nilou Lab
Classification: Likely pathogenic for Pyridoxine-dependent epilepsy. Last evaluated: 2023-04-11. Review status: criteria provided, single submitter. Criteria: ACMG Guidelines, 2015. Collection method: clinical testing. Allele origin: germline. Affected: no.

Ambry Genetics
Classification: Pathogenic for Inborn genetic diseases. Last evaluated: 2019-06-11. Review status: criteria provided, single submitter. Criteria: Ambry Variant Classification Scheme 2023. Collection method: clinical testing. Allele origin: germline.
Comment: The c.285_286insG pathogenic mutation, located in coding exon 3 of the ALDH7A1 gene, results from an insertion of one nucleotide at position 285, causing a translational frameshift with a predicted alternate stop codon (p.R96Efs*51). This alteration is expected to result in loss of function by premature protein truncation or nonsense-mediated mRNA decay. As such, this alteration is interpreted as a disease-causing mutation.

GeneDx
Classification: Likely pathogenic. Last evaluated: 2017-06-06. Review status: criteria provided, single submitter. Criteria: GeneDx Variant Classification (06012015). Collection method: clinical testing. Allele origin: germline. Affected: yes.
Comment: A variant that is likely pathogenic has been identified in the ALDH7A1 gene. The c.285_286insG variant has not been published as a pathogenic variant, nor has it been reported as a benign variant to our knowledge. The c.285_286insG variant is not observed in large population cohorts (Lek et al., 2016; 1000 Genomes Consortium et al., 2015; Exome Variant Server). The c.285_286insG variant in the ALDH7A1 gene causes a frameshift starting with codon Arginine 96, changes this amino acid to a Glutamic acid residue and creates a premature Stop codon at position 51 of the new reading frame, denoted p.Arg96GlufsX51. This variant is predicted to cause loss of normal protein function either through protein truncation or nonsense-mediated mRNA decay. Therefore, this variant is likely pathogenic; however, the possibility that it is benign cannot be excluded.

Literature cited by the submitters: PubMed 16491085 (cited by Labcorp Genetics (formerly Invitae), Labcorp); PubMed 20554659 (cited by Labcorp Genetics (formerly Invitae), Labcorp).

NM_001182.5(ALDH7A1):c.285_286insG (p.Arg96fs)

Gene: ALDH7A1 (aldehyde dehydrogenase 7 family member A1; minus strand). Cytogenetic location: 5q23.2.
Variant type: Insertion.
Coding change: c.285_286insG on transcript NM_001182.5 (MANE Select); coding-DNA positions 285 to 286, G inserted.
Protein change: p.Arg96fs; shifts the reading frame from arginine 96.
Molecular consequence: frameshift variant.
Genome position: GRCh38 VCF-style: chr5-126592690-T-TC. GRCh37 (hg19) VCF-style: chr5-125928382-T-TC.
Other names: c.201_202insG, p.Arg68fs (NM_001201377.2); c.285_286insG, p.Arg96fs (NM_001202404.2); short protein forms R96fs, R68fs.
Identifiers: ClinVar variation 204868 (VCV000204868.8), dbSNP rs758414053, ClinGen allele CA313241.